The following is an entry in ClinVar:

NM_016306.6(DNAJB11):c.923A>G (p.Asn308Ser)

Gene: DNAJB11 (DnaJ heat shock protein family (Hsp40) member B11; plus strand). Cytogenetic location: 3q27.3.
Variant type: single nucleotide variant.
Coding change: c.923A>G on transcript NM_016306.6 (MANE Select); coding-DNA position 923, A replaced by G.
Protein change: p.Asn308Ser; replaces asparagine 308 with serine.
Molecular consequence: missense variant. On other transcripts: non-coding transcript variant (6).
Genome position (GRCh38, 1-based): chr3:186,584,500, A>G. VCF-style: chr3-186584500-A-G. GRCh37 (hg19) VCF-style: chr3-186302289-A-G.
Other names: c.647A>G, p.Asn216Ser (NM_001378451.1); c.923A>G (NM_016306.5); short protein forms N216S, N308S.
Identifiers: ClinVar variation 1559823 (VCV001559823.10), dbSNP rs779151489, ClinGen allele CA2744616.

ClinVar aggregate classification (germline): Likely benign. Review status: criteria provided, single submitter (1 of 4 stars). 2 submissions from 2 submitters: Likely benign (1). 1 of the submissions does not count toward it. Last evaluated 2025-10-27.

Conditions:
DNAJB11-related disorder. Also called: DNAJB11-related condition.

Allele frequency attached by ClinVar (database versions not stated): gnomAD exomes 0.00005 and 0.00025; gnomAD 0.00007; TOPMed 0.00013; ExAC 0.00024.
gnomAD v4.1: 78 of 1,601,810 alleles (0.0049%); highest among the groups gnomAD compares: Admixed American, 0.11%; no homozygotes.

Submissions (2):

Labcorp Genetics (formerly Invitae), Labcorp
Classification: Likely benign. Last evaluated: 2025-10-27. Review status: criteria provided, single submitter. Criteria: Invitae Variant Classification Sherloc (09022015). Collection method: clinical testing. Allele origin: germline.

PreventionGenetics, part of Exact Sciences
Classification: Likely benign for DNAJB11-related condition. Last evaluated: 2019-10-16. Review status: no assertion criteria provided. Collection method: clinical testing. Allele origin: germline. Not counted in ClinVar's aggregate classification.
Comment: This variant is classified as likely benign based on ACMG/AMP sequence variant interpretation guidelines (Richards et al. 2015 PMID: 25741868, with internal and published modifications).